The following is an entry in ClinVar:

ClinVar aggregate classification (germline): Uncertain significance. Review status: criteria provided, multiple submitters, no conflicts (2 of 4 stars). 2 submissions from 2 submitters: Uncertain significance (2). Last evaluated 2024-05-09.

Conditions:
PRDM16-related disorder. Also called: PRDM16-related condition.
Left ventricular noncompaction 8 (LVNC8). Identifiers: Orphanet 154, Orphanet 54260, MedGen C3809288, MONDO:0014152, OMIM 615373.

Allele frequency attached by ClinVar (database versions not stated): gnomAD exomes below 0.00001; ExAC 0.00001; TOPMed 0.00002; gnomAD 0.00003.
gnomAD v4.1: 5 of 1,606,164 alleles (0.00031%); highest among the groups gnomAD compares: African/African-American, 0.0053%; no homozygotes.

Submissions (2):

Labcorp Genetics (formerly Invitae), Labcorp
Classification: Uncertain significance for Left ventricular noncompaction 8. Last evaluated: 2024-05-09. Review status: criteria provided, single submitter. Criteria: Invitae Variant Classification Sherloc (09022015). Collection method: clinical testing. Allele origin: germline.
Comment: This sequence change replaces proline, which is neutral and non-polar, with leucine, which is neutral and non-polar, at codon 795 of the PRDM16 protein (p.Pro795Leu). This variant is present in population databases (rs765002600, gnomAD 0.009%). This variant has not been reported in the literature in individuals affected with PRDM16-related conditions. ClinVar contains an entry for this variant (Variation ID: 2629562). An algorithm developed to predict the effect of missense changes on protein structure and function (PolyPhen-2) suggests that this variant is likely to be tolerated. In summary, the available evidence is currently insufficient to determine the role of this variant in disease. Therefore, it has been classified as a Variant of Uncertain Significance.

PreventionGenetics, part of Exact Sciences
Classification: Uncertain significance for PRDM16-related condition. Last evaluated: 2023-07-09. Review status: criteria provided, single submitter. Criteria: ACMG Guidelines, 2015. Collection method: clinical testing. Allele origin: germline.
Comment: The PRDM16 c.2384C>T variant is predicted to result in the amino acid substitution p.Pro795Leu. To our knowledge, this variant has not been reported in the literature. This variant is reported in 0.013% of alleles in individuals of African descent in gnomAD. At this time, the clinical significance of this variant is uncertain due to the absence of conclusive functional and genetic evidence.

NM_022114.4(PRDM16):c.2384C>T (p.Pro795Leu)

Gene: PRDM16 (PR/SET domain 16; plus strand). Cytogenetic location: 1p36.32.
Variant type: single nucleotide variant.
Coding change: c.2384C>T on transcript NM_022114.4 (MANE Select); coding-DNA position 2384, C replaced by T.
Protein change: p.Pro795Leu; replaces proline 795 with leucine.
Molecular consequence: missense variant.
Genome position (GRCh38, 1-based): chr1:3,412,581, C>T. VCF-style: chr1-3412581-C-T. GRCh37 (hg19) VCF-style: chr1-3329145-C-T.
Other names: c.2384C>T, p.Pro795Leu (NM_199454.3); short protein forms P795L.
Identifiers: ClinVar variation 2629562 (VCV002629562.3), dbSNP rs765002600, ClinGen allele CA544458.